The following is an entry in ClinVar:

NM_001001548.3(CD36):c.1418A>C (p.Ter473Ser)

Gene: CD36 (CD36 molecule (CD36 blood group); plus strand). Cytogenetic location: 7q21.11.
Variant type: single nucleotide variant.
Coding change: c.1418A>C on transcript NM_001001548.3 (MANE Select); coding-DNA position 1418, A replaced by C.
Protein change: p.Ter473Ser.
Molecular consequence: stop lost. On other transcripts: non-coding transcript variant (1).
Genome position (GRCh38, 1-based): chr7:80,674,146, A>C. VCF-style: chr7-80674146-A-C. GRCh37 (hg19) VCF-style: chr7-80303462-A-C.
Other names: c.1418A>C, p.Ter473Ser (NM_000072.3, NM_001001547.3, NM_001127443.2 and 5 more transcripts); c.1301A>C, p.Ter434Ser (NM_001289908.1); c.1238A>C, p.Ter413Ser (NM_001289909.1); c.1190A>C, p.Ter397Ser (NM_001289911.2); c.1316A>C, p.Ter439Ser (NM_001371079.1); c.953A>C, p.Ter318Ser (NM_001371080.1, NM_001371081.1).
Identifiers: ClinVar variation 2657636 (VCV002657636.24), dbSNP rs570171917, ClinGen allele CA4315856.

ClinVar aggregate classification (germline): Uncertain significance (1 of 4 stars; one submission).

Allele frequency attached by ClinVar (database versions not stated): gnomAD 0.00001; TOPMed 0.00002; ExAC 0.00003; gnomAD exomes 0.00004; 1000 Genomes Project 0.00020.
gnomAD v4.1: 60 of 1,561,188 alleles (0.0038%); highest among the groups gnomAD compares: Non-Finnish European, 0.0053%; no homozygotes.

Submission:

CeGaT Center for Human Genetics Tuebingen
Classification: Uncertain significance. Last evaluated: 2023-04-01. Review status: criteria provided, single submitter. Criteria: CeGaT Center For Human Genetics Tuebingen Variant Classification Criteria Version 2. Collection method: clinical testing. Allele origin: germline. Affected: yes. Observed: 1 variant allele.
Comment: CD36: PM2, PM4